The following is an entry in ClinVar:

ClinVar aggregate classification (germline): Uncertain significance. Review status: criteria provided, multiple submitters, no conflicts (2 of 4 stars). 2 submissions from 2 submitters: Uncertain significance (2). Last evaluated 2021-10-28.

Allele frequency attached by ClinVar (database versions not stated): gnomAD 0.00001; TOPMed 0.00001; gnomAD exomes 0.00002; ExAC 0.00003; ESP Exome Variant Server 0.00008.
gnomAD v4.1: 32 of 1,613,826 alleles (0.002%); highest among the groups gnomAD compares: Middle Eastern, 0.033%; no homozygotes.

Submissions (2):

Labcorp Genetics (formerly Invitae), Labcorp
Classification: Uncertain significance. Last evaluated: 2021-10-28. Review status: criteria provided, single submitter. Criteria: Invitae Variant Classification Sherloc (09022015). Collection method: clinical testing. Allele origin: germline.
Comment: In summary, the available evidence is currently insufficient to determine the role of this variant in disease. Therefore, it has been classified as a Variant of Uncertain Significance. Algorithms developed to predict the effect of missense changes on protein structure and function (SIFT, PolyPhen-2, Align-GVGD) all suggest that this variant is likely to be tolerated. This variant has not been reported in the literature in individuals affected with MTMR14-related conditions. This variant is present in population databases (rs375373181, gnomAD 0.006%). This sequence change replaces serine, which is neutral and polar, with asparagine, which is neutral and polar, at codon 459 of the MTMR14 protein (p.Ser459Asn).

Revvity Omics, Revvity
Classification: Uncertain significance. Last evaluated: 2019-08-27. Review status: criteria provided, single submitter. Criteria: ACMG Guidelines, 2015. Collection method: clinical testing. Allele origin: germline.

NM_001077525.3(MTMR14):c.1376G>A (p.Ser459Asn)

Gene: MTMR14 (myotubularin related protein 14; plus strand). Cytogenetic location: 3p25.3.
Variant type: single nucleotide variant.
Coding change: c.1376G>A on transcript NM_001077525.3 (MANE Select); coding-DNA position 1376, G replaced by A.
Protein change: p.Ser459Asn; replaces serine 459 with asparagine.
Molecular consequence: missense variant.
Genome position (GRCh38, 1-based): chr3:9,689,025, G>A. VCF-style: chr3-9689025-G-A. GRCh37 (hg19) VCF-style: chr3-9730709-G-A.
Other names: c.1376G>A, p.Ser459Asn (NM_001077526.3, NM_022485.5); short protein forms S459N.
Identifiers: ClinVar variation 1376175 (VCV001376175.8), dbSNP rs375373181, ClinGen allele CA2240741.